The following is an entry in ClinVar:

ClinVar aggregate classification (germline): Uncertain significance (1 of 4 stars; one submission).

Conditions:
Joubert syndrome. Also called: JOUBERT-BOLTSHAUSER SYNDROME; Familial aplasia of the vermis. Identifiers: Orphanet 475, MedGen C5979921, MONDO:0018772.
Meckel-Gruber syndrome. Also called: DYSENCEPHALIA SPLANCHNOCYSTICA; GRUBER SYNDROME; Dysencephalia splachnocystica. Identifiers: Orphanet 564, MedGen C0265215, MONDO:0018921.

Submission:

Labcorp Genetics (formerly Invitae), Labcorp
Classification: Uncertain significance for Joubert syndrome; Meckel-Gruber syndrome. Last evaluated: 2024-03-11. Review status: criteria provided, single submitter. Criteria: Invitae Variant Classification Sherloc (09022015). Collection method: clinical testing. Allele origin: germline.
Comment: This sequence change replaces serine, which is neutral and polar, with alanine, which is neutral and non-polar, at codon 1569 of the CC2D2A protein (p.Ser1569Ala). This variant is not present in population databases (gnomAD no frequency). This variant has not been reported in the literature in individuals affected with CC2D2A-related conditions. ClinVar contains an entry for this variant (Variation ID: 2147563). Advanced modeling of protein sequence and biophysical properties (such as structural, functional, and spatial information, amino acid conservation, physicochemical variation, residue mobility, and thermodynamic stability) performed at Invitae indicates that this missense variant is expected to disrupt CC2D2A protein function with a positive predictive value of 80%. In summary, the available evidence is currently insufficient to determine the role of this variant in disease. Therefore, it has been classified as a Variant of Uncertain Significance.

NM_001378615.1(CC2D2A):c.4705T>G (p.Ser1569Ala)

Genes: CC2D2A (coiled-coil and C2 domain containing 2A; plus strand), FBXL5 (F-box and leucine rich repeat protein 5; minus strand). Cytogenetic location: 4p15.32.
Variant type: single nucleotide variant.
Coding change: c.4705T>G on transcript NM_001378615.1 (MANE Select); coding-DNA position 4705, T replaced by G.
Protein change: p.Ser1569Ala; replaces serine 1569 with alanine.
Molecular consequence: missense variant.
Genome position (GRCh38, 1-based): chr4:15,601,267, T>G. VCF-style: chr4-15601267-T-G. GRCh37 (hg19) VCF-style: chr4-15602890-T-G.
Other names: c.4705T>G, p.Ser1569Ala (NM_001080522.2); c.4558T>G, p.Ser1520Ala (NM_001378617.1); short protein forms S1520A, S1569A.
Identifiers: ClinVar variation 2147563 (VCV002147563.4), dbSNP rs2475163021, ClinGen allele CA356436087.
Genomic context (GRCh38, chr4:15,601,267, plus strand): 5'-CTAATGACTACAAATGTTTTTTCCCTTCAGTTCTCTGGATTTCCTCTTCACATGCCTTAT[T>G]CTGAAGTGAAGCCTTTAATTGACGCTGTGTATAGTACTGGAGTACATAATATTGATGTTC-3'
Protein context (NP_001365544.1, residues 1559-1579): FSGFPLHMPY[Ser1569Ala]EVKPLIDAVY